The following is an entry in ClinVar:

NM_001089.3(ABCA3):c.2061A>G (p.Ile687Met)

Gene: ABCA3 (ATP binding cassette subfamily A member 3; minus strand). Cytogenetic location: 16p13.3.
Variant type: single nucleotide variant.
Coding change: c.2061A>G on transcript NM_001089.3 (MANE Select); coding-DNA position 2061, A replaced by G.
Protein change: p.Ile687Met; replaces isoleucine 687 with methionine.
Molecular consequence: missense variant.
Genome position (GRCh38, 1-based): chr16:2,297,531, T>C on the plus strand (A>G on the coding strand, the complement: ABCA3 is on the minus strand). VCF-style: chr16-2297531-T-C. GRCh37 (hg19) VCF-style: chr16-2347532-T-C.
Other names: short protein forms I687M.
Identifiers: ClinVar variation 1785229 (VCV001785229.3), dbSNP rs750356547, ClinGen allele CA7840957.
Genomic context (GRCh38, chr16:2,297,531, plus strand): 5'-AAGAAGATCCCAGATGGCCCTCCTGGAGATGGCGTCCATGCCCGAGGTGGGCTCGTCCAG[T>C]ATCAGCACCTGGAGGGAGAGACACAGTCTCGCGACGCTGGTAGAGCCACACCCCGGGCCC-3'
Protein context (NP_001080.2, residues 677-697): IALIAGSKVL[Ile687Met]LDEPTSGMDA

ClinVar aggregate classification (germline): Uncertain significance. Review status: criteria provided, multiple submitters, no conflicts (2 of 4 stars). 2 submissions from 2 submitters: Uncertain significance (2). Last evaluated 2016-07-07.

Conditions:
Hereditary pulmonary alveolar proteinosis. Also called: Pulmonary surfactant metabolism dysfunction. Identifiers: Orphanet 264675, MedGen C3711368, MONDO:0012580.

Allele frequency attached by ClinVar (database versions not stated): gnomAD 0.00001; ExAC 0.00002; gnomAD exomes 0.00002; TOPMed 0.00005.
gnomAD v4.1: 32 of 1,612,196 alleles (0.002%); highest among the groups gnomAD compares: Admixed American, 0.033%; no homozygotes.

Submissions (2):

Ambry Genetics
Classification: Uncertain significance for Hereditary pulmonary alveolar proteinosis. Last evaluated: 2016-07-07. Review status: criteria provided, single submitter. Criteria: Ambry Variant Classification Scheme 2023. Collection method: clinical testing. Allele origin: germline.
Comment: The p.I687M variant (also known as c.2061A>G), located in coding exon 14 of the ABCA3 gene, results from an A to G substitution at nucleotide position 2061. The isoleucine at codon 687 is replaced by methionine, an amino acid with highly similar properties. This variant was not reported in population based cohorts in the following databases: Database of Single Nucleotide Polymorphisms (dbSNP), NHLBI Exome Sequencing Project (ESP), and 1000 Genomes Project. In the ESP, this variant was not observed in 6498 samples (12996 alleles) with coverage at this position. This amino acid position is poorly conserved in available vertebrate species. In addition, the in silico prediction for this alteration is inconclusive. Since supporting evidence is limited at this time, the clinical significance of this variant remains unclear.

Breakthrough Genomics
Classification: Uncertain significance. Review status: criteria provided, single submitter. Criteria: ACMG Guidelines, 2015. Collection method: not provided. Allele origin: germline. Inheritance: Autosomal recessive inheritance. Affected: yes.